The following is an entry in ClinVar:

ClinVar aggregate classification (germline): Uncertain significance (1 of 4 stars; one submission).

Submission:

Labcorp Genetics (formerly Invitae), Labcorp
Classification: Uncertain significance. Last evaluated: 2022-02-05. Review status: criteria provided, single submitter. Criteria: Invitae Variant Classification Sherloc (09022015). Collection method: clinical testing. Allele origin: germline.
Comment: Algorithms developed to predict the effect of missense changes on protein structure and function (SIFT, PolyPhen-2, Align-GVGD) all suggest that this variant is likely to be tolerated. This variant has not been reported in the literature in individuals affected with NYX-related conditions. This variant is not present in population databases (gnomAD no frequency). This sequence change replaces glycine, which is neutral and non-polar, with valine, which is neutral and non-polar, at codon 455 of the NYX protein (p.Gly455Val). In summary, the available evidence is currently insufficient to determine the role of this variant in disease. Therefore, it has been classified as a Variant of Uncertain Significance.

NM_001378477.3(NYX):c.1349G>T (p.Gly450Val)

Gene: NYX (nyctalopin; plus strand). Cytogenetic location: Xp11.4.
Variant type: single nucleotide variant.
Coding change: c.1349G>T on transcript NM_001378477.3 (MANE Select); coding-DNA position 1349, G replaced by T.
Protein change: p.Gly450Val; replaces glycine 450 with valine.
Molecular consequence: missense variant.
Genome position (GRCh38, 1-based): chrX:41,474,817, G>T. VCF-style: chrX-41474817-G-T. GRCh37 (hg19) VCF-style: chrX-41334070-G-T.
Other names: c.1349G>T, p.Gly450Val (NM_022567.3); short protein forms G450V.
Identifiers: ClinVar variation 1381904 (VCV001381904.8), dbSNP rs1239496714, ClinGen allele CA412993669.